The following is an entry in ClinVar:

ClinVar aggregate classification (germline): Uncertain significance (1 of 4 stars; one submission).

Conditions:
3-methylcrotonyl-CoA carboxylase 1 deficiency (MCC1D). Also called: MCCD TYPE 1; METHYLCROTONYLGLYCINURIA TYPE I; MCC 1 deficiency; 3 Alpha methylcrotonylglycinuria 1. Identifiers: Orphanet 6, MedGen CN028786, MONDO:0008861, OMIM 210200.

Submission:

Centre for Mendelian Genomics, University Medical Centre Ljubljana
Classification: Uncertain significance for 3-methylcrotonyl-CoA carboxylase 1 deficiency. Last evaluated: 2019-08-20. Review status: criteria provided, single submitter. Criteria: ACMG Guidelines, 2015. Collection method: clinical testing. Allele origin: unknown. Affected: yes.
Comment: This variant was classified as: Uncertain significance. The available evidence on this variant's pathogenicity is insufficient or conflicting. The following ACMG criteria were applied in classifying this variant: PM2,BP4.

NM_020166.5(MCCC1):c.370-16T>G

Gene: MCCC1 (methylcrotonyl-CoA carboxylase subunit 1; minus strand). Cytogenetic location: 3q27.1.
Variant type: single nucleotide variant.
Coding change: c.370-16T>G on transcript NM_020166.5 (MANE Select); 16 bases into the intron before coding-DNA position 370, T replaced by G.
Molecular consequence: intron variant.
Genome position (GRCh38, 1-based): chr3:183,072,503, A>C on the plus strand (T>G on the coding strand, the complement: MCCC1 is on the minus strand). VCF-style: chr3-183072503-A-C. GRCh37 (hg19) VCF-style: chr3-182790291-A-C.
Other names: c.43-16T>G (NM_001363880.1); c.141-1146T>G (NM_001293273.2).
Identifiers: ClinVar variation 931687 (VCV000931687.3), dbSNP rs1716772551, ClinGen allele CA1139658361.